The following is an entry in ClinVar:

ClinVar aggregate classification (germline): Uncertain significance (1 of 4 stars; one submission).

Conditions:
Noonan syndrome 9 (NS9). Identifiers: Orphanet 648, MedGen C4225282, MONDO:0014691, OMIM 616559.

Allele frequency attached by ClinVar (database versions not stated): gnomAD exomes below 0.00001.
gnomAD v4.1: 1 of 1,596,948 alleles (0.000063%); highest among the groups gnomAD compares: South Asian, 0.0011%; no homozygotes.

Submission:

Labcorp Genetics (formerly Invitae), Labcorp
Classification: Uncertain significance for Noonan syndrome 9. Last evaluated: 2024-01-08. Review status: criteria provided, single submitter. Criteria: Invitae Variant Classification Sherloc (09022015). Collection method: clinical testing. Allele origin: germline.
Comment: This sequence change replaces alanine, which is neutral and non-polar, with threonine, which is neutral and polar, at codon 168 of the SOS2 protein (p.Ala168Thr). This variant is not present in population databases (gnomAD no frequency). This variant has not been reported in the literature in individuals affected with SOS2-related conditions. ClinVar contains an entry for this variant (Variation ID: 1051938). Advanced modeling of protein sequence and biophysical properties (such as structural, functional, and spatial information, amino acid conservation, physicochemical variation, residue mobility, and thermodynamic stability) performed at Invitae indicates that this missense variant is expected to disrupt SOS2 protein function with a positive predictive value of 95%. In summary, the available evidence is currently insufficient to determine the role of this variant in disease. Therefore, it has been classified as a Variant of Uncertain Significance.

NM_006939.4(SOS2):c.502G>A (p.Ala168Thr)

Gene: SOS2 (SOS Ras/Rho guanine nucleotide exchange factor 2; minus strand). Cytogenetic location: 14q21.3.
Variant type: single nucleotide variant.
Coding change: c.502G>A on transcript NM_006939.4 (MANE Select); coding-DNA position 502, G replaced by A.
Protein change: p.Ala168Thr; replaces alanine 168 with threonine.
Molecular consequence: missense variant.
Genome position (GRCh38, 1-based): chr14:50,199,699, C>T on the plus strand (G>A on the coding strand, the complement: SOS2 is on the minus strand). VCF-style: chr14-50199699-C-T. GRCh37 (hg19) VCF-style: chr14-50666417-C-T.
Other names: short protein forms A168T.
Identifiers: ClinVar variation 1051938 (VCV001051938.9), dbSNP rs2139778845, ClinGen allele CA389649402.